The following is an entry in ClinVar:

ClinVar aggregate classification (germline): Uncertain significance (1 of 4 stars; one submission).

Conditions:
Primary ciliary dyskinesia. Also called: Ciliary dyskinesia. Identifiers: Orphanet 244, MedGen C0008780, MONDO:0016575, HP:0012265.

Submission:

Labcorp Genetics (formerly Invitae), Labcorp
Classification: Uncertain significance for Primary ciliary dyskinesia. Last evaluated: 2023-12-11. Review status: criteria provided, single submitter. Criteria: Invitae Variant Classification Sherloc (09022015). Collection method: clinical testing. Allele origin: germline.
Comment: This sequence change replaces asparagine, which is neutral and polar, with lysine, which is basic and polar, at codon 1114 of the RPGR (ORF15) protein (p.Asn1114Lys). This variant is not present in population databases (gnomAD no frequency). This variant has not been reported in the literature in individuals affected with RPGR (ORF15)-related conditions. ClinVar contains an entry for this variant (Variation ID: 2110971). Advanced modeling of protein sequence and biophysical properties (such as structural, functional, and spatial information, amino acid conservation, physicochemical variation, residue mobility, and thermodynamic stability) performed at Invitae indicates that this missense variant is not expected to disrupt RPGR (ORF15) protein function with a negative predictive value of 95%. In summary, the available evidence is currently insufficient to determine the role of this variant in disease. Therefore, it has been classified as a Variant of Uncertain Significance.

NM_001034853.2(RPGR):c.3342T>G (p.Asn1114Lys)

Gene: RPGR (retinitis pigmentosa GTPase regulator; minus strand). Cytogenetic location: Xp11.4.
Variant type: single nucleotide variant.
Coding change: c.3342T>G on transcript NM_001034853.2 (MANE Select); coding-DNA position 3342, T replaced by G.
Protein change: p.Asn1114Lys; replaces asparagine 1114 with lysine.
Molecular consequence: missense variant. On other transcripts: intron variant (8).
Genome position (GRCh38, 1-based): chrX:38,285,657, A>C on the plus strand (T>G on the coding strand, the complement: RPGR is on the minus strand). VCF-style: chrX-38285657-A-C. GRCh37 (hg19) VCF-style: chrX-38144910-A-C.
Other names: c.1569+5302T>G (NM_001367249.1, NM_001367250.1); c.1902+1437T>G (NM_001367245.1); c.1386+5302T>G (NM_001367251.1); c.1719+1437T>G (NM_001367246.1); c.1572+5302T>G (NM_001367247.1); c.1905+1437T>G (NM_000328.3); c.1602+5302T>G (NM_001367248.1); short protein forms N1114K.
Identifiers: ClinVar variation 2110971 (VCV002110971.4), dbSNP rs2519780048, ClinGen allele CA412726999.
Genomic context (GRCh38, chrX:38,285,657, plus strand): 5'-TGGCCCGTTTTTTAAAAGTCGTTTTGACTGGACTGGCATTTTGGACCTCTGCTCTTTCCC[A>C]TTTCCCTGTGTGTTAGTAACTGACTTTTTTTGATATGTTTTATGTTTGCCATATTTCACA-3'
Protein context (NP_001030025.1, residues 1104-1124): QKKSVTNTQG[Asn1114Lys]GKEQRSKMPV